The following is an entry in ClinVar:

Conditions:
Breast-ovarian cancer, familial, susceptibility to, 1 (BROVCA1). Also called: BRCA1 Hereditary Breast and Ovarian Cancer; OVARIAN CANCER, SUSCEPTIBILITY TO. Identifiers: Orphanet 145, MedGen C2676676, MONDO:0011450, OMIM 604370. Disease mechanism: loss of function.

Submission:

Brotman Baty Institute, University of Washington
No classification provided (evidence only). Condition: Breast-ovarian cancer, familial 1. Review status: no classification provided. Collection method: in vitro. Allele origin: not applicable. Functional consequence: functionally_normal.
ClinVar note: "not provided" was previously submitted as the classification for the variant. However, the classification appeared to be based only on an observation of functional data so it was converted to no classification on 2025-07-30.

NM_007294.4(BRCA1):c.5225A>T (p.Asn1742Ile)

Gene: BRCA1 (BRCA1 DNA repair associated; minus strand). Cytogenetic location: 17q21.31.
Variant type: single nucleotide variant.
Coding change: c.5225A>T on transcript NM_007294.4 (MANE Select); coding-DNA position 5225, A replaced by T.
Protein change: p.Asn1742Ile; replaces asparagine 1742 with isoleucine.
Molecular consequence: missense variant. On other transcripts: non-coding transcript variant (1).
Genome position (GRCh38, 1-based): chr17:43,057,104, T>A on the plus strand (A>T on the coding strand, the complement: BRCA1 is on the minus strand). VCF-style: chr17-43057104-T-A. GRCh37 (hg19) VCF-style: chr17-41209121-T-A.
Other names: c.5012A>T, p.Asn1671Ile (NM_001407571.1, NM_001407900.1, NM_001407902.1 and 12 more transcripts); c.5291A>T, p.Asn1764Ile (NM_001407581.1, NM_001407582.1); c.5288A>T, p.Asn1763Ile (NM_001407583.1, NM_001407585.1, NM_001407587.1 and 1 more transcripts); c.5222A>T, p.Asn1741Ile (NM_001407610.1, NM_001407611.1, NM_001407612.1 and 17 more transcripts); c.5219A>T, p.Asn1740Ile (NM_001407629.1, NM_001407630.1, NM_001407631.1 and 14 more transcripts); c.5165A>T, p.Asn1722Ile (NM_001407649.1); c.5147A>T, p.Asn1716Ile (NM_001407652.1, NM_001407653.1, NM_001407654.1 and 1 more transcripts); c.5144A>T, p.Asn1715Ile (NM_001407656.1, NM_001407657.1, NM_001407658.1); and 72 more; short protein forms N638I, N1742I, N1763I, N1695I, N1629I, N1631I, N1694I, N1699I.
Identifiers: ClinVar variation 865177 (VCV000865177.3), dbSNP rs864622104, ClinGen allele CA10591093.